The following is an entry in ClinVar:

NM_000284.4(PDHA1):c.412C>T (p.Leu138Phe)

Gene: PDHA1 (pyruvate dehydrogenase E1 subunit alpha 1; plus strand). Cytogenetic location: Xp22.12.
Variant type: single nucleotide variant.
Coding change: c.412C>T on transcript NM_000284.4 (MANE Select); coding-DNA position 412, C replaced by T.
Protein change: p.Leu138Phe; replaces leucine 138 with phenylalanine.
Molecular consequence: missense variant.
Genome position (GRCh38, 1-based): chrX:19,351,401, C>T. VCF-style: chrX-19351401-C-T. GRCh37 (hg19) VCF-style: chrX-19369519-C-T.
Other names: c.526C>T, p.Leu176Phe (NM_001173454.2); c.433C>T, p.Leu145Phe (NM_001173455.2); c.412C>T, p.Leu138Phe (NM_001173456.2); short protein forms L138F, L145F, L176F.
Identifiers: ClinVar variation 4070315 (VCV004070315.2).
Genomic context (GRCh38, chrX:19,351,401, plus strand): 5'-TACCGGGCTCACGGCTTTACTTTCACCCGGGGCCTTTCCGTCCGAGAAATTCTCGCAGAG[C>T]TTACAGGTTTGCTGTTGATTTACAGAAAGGGGAAATGAGTGGATTAAGTTTTTAAATATC-3'
Protein context (NP_000275.1, residues 128-148): GLSVREILAE[Leu138Phe]TGRKGGCAKG

ClinVar aggregate classification (germline): Pathogenic. Review status: criteria provided, single submitter (1 of 4 stars). 2 submissions from 2 submitters: Pathogenic (1). 1 of the submissions does not count toward it. Last evaluated 2025-01-27.

Conditions:
Pyruvate dehydrogenase E1-alpha deficiency (PDHAD). Also called: ATAXIA, INTERMITTENT, WITH PYRUVATE DEHYDROGENASE DEFICIENCY; ATAXIA WITH LACTIC ACIDOSIS I; ATAXIA, INTERMITTENT, WITH ABNORMAL PYRUVATE METABOLISM; Ataxia, intermittent, with pyruvate dehydrogenase, or decarboxylase, deficiency. Identifiers: Orphanet 79243, MedGen C1839413, MONDO:0010717, OMIM 312170.

Submissions (2):

GeneDx
Classification: Pathogenic. Last evaluated: 2025-01-27. Review status: criteria provided, single submitter. Criteria: GeneDx Variant Classification Process June 2021. Collection method: clinical testing. Allele origin: germline. Affected: yes.
Comment: In silico analysis supports that this missense variant has a deleterious effect on protein structure/function; Not observed at significant frequency in large population cohorts (gnomAD); This variant is associated with the following publications: (PMID: 23430811, 37422902, 15384102)

PDHA1 Study Group, University Children’s Hospital, Paracelsus Medical University
Classification: Pathogenic for Pyruvate dehydrogenase E1-alpha deficiency. Last evaluated: 2024-10-15. Review status: no assertion criteria provided. Collection method: research. Allele origin: de novo. Affected: yes. Observed: 1 variant allele. Not counted in ClinVar's aggregate classification.
Comment: The NM_000284.3:c.412C>T (p.Leu138Phe) substitution is a missense variant in PDHA1 gene. Among them, 1 case had confirmed de novo occurrence. The variant has been reported in 1 published case (PMIDs: 15384102). Last literature search: July 12, 2024. This variant is absent or extremely rare in population-based cohorts in the Genome Aggregation Database (gnomAD). Individuals harboring this variant presented with clinical features compatible with PDHA1-related PDHc deficiency. In summary, this variant meets criteria to be classified as pathogenic (P) for PDHA1-related PDHc deficiency based on the ACMG/AMP criteria applied: PS2, PM1, PM2, PM7, PP3 (last assessment October 15, 2024).

Literature cited by the submitters: PubMed 15384102 (cited by PDHA1 Study Group, University Children’s Hospital, Paracelsus Medical University); DOI 10.1093/brain/awaf430 (cited by PDHA1 Study Group, University Children’s Hospital, Paracelsus Medical University).